The following is an entry in ClinVar:

NM_001377.3(DYNC2H1):c.5797_5798del (p.Glu1933fs)

Gene: DYNC2H1 (dynein cytoplasmic 2 heavy chain 1; plus strand). Cytogenetic location: 11q22.3.
Variant type: Deletion.
Coding change: c.5797_5798del on transcript NM_001377.3 (MANE Select); coding-DNA positions 5797 to 5798, 2 bases deleted (GA; older notation c.5797_5798delGA).
Protein change: p.Glu1933fs; shifts the reading frame from glutamic acid 1933.
Molecular consequence: frameshift variant.
Genome position (GRCh38, 1-based): chr11:103,176,357-103,176,358, GA deleted; deleting any 2 consecutive bases within chr11:103,176,356-103,176,358 gives the same sequence; the c. name uses the placement nearest the transcript's 3' end. VCF-style (leftmost placement, unchanged base first): chr11-103176355-AAG-A. GRCh37 (hg19) VCF-style: chr11-103047084-AAG-A.
Other names: c.5797_5798del, p.Glu1933fs (NM_001080463.2); short protein forms E1933fs.
Identifiers: ClinVar variation 631647 (VCV000631647.7), dbSNP rs1565368793, ClinGen allele CA913189710.

ClinVar aggregate classification (germline): Pathogenic (1 of 4 stars; one submission).

Conditions:
Jeune thoracic dystrophy. Also called: Jeune syndrome; Infantile thoracic dystrophy; Thoracic pelvic phalangeal dystrophy; Jeune's syndrome; Chondroectodermal dysplasia-like syndrome; Short-rib thoracic dysplasia. Identifiers: Orphanet 474, MedGen C0265275, MONDO:0018770.

Submission:

Labcorp Genetics (formerly Invitae), Labcorp
Classification: Pathogenic for Jeune thoracic dystrophy. Last evaluated: 2023-11-17. Review status: criteria provided, single submitter. Criteria: Invitae Variant Classification Sherloc (09022015). Collection method: clinical testing. Allele origin: germline.
Comment: This sequence change creates a premature translational stop signal (p.Glu1933Serfs*4) in the DYNC2H1 gene. It is expected to result in an absent or disrupted protein product. Loss-of-function variants in DYNC2H1 are known to be pathogenic (PMID: 23339108, 32753734, 33755199). This variant is not present in population databases (gnomAD no frequency). This variant has not been reported in the literature in individuals affected with DYNC2H1-related conditions. ClinVar contains an entry for this variant (Variation ID: 631647). For these reasons, this variant has been classified as Pathogenic.

Literature cited by the submitters: PubMed 23339108; PubMed 32753734; PubMed 33755199.